The following is an entry in ClinVar:

ClinVar aggregate classification (germline): Uncertain significance. Review status: criteria provided, multiple submitters, no conflicts (2 of 4 stars). 2 submissions from 2 submitters: Uncertain significance (2). Last evaluated 2025-07-10.

Conditions:
Inborn genetic diseases. Identifiers: MedGen C0950123, MeSH D030342.
Larsen-like syndrome, B3GAT3 type. Also called: MULTIPLE JOINT DISLOCATIONS, SHORT STATURE, AND CRANIOFACIAL DYSMORPHISM WITH OR WITHOUT CONGENITAL HEART DEFECTS; Multiple joint dislocations, short stature, craniofacial dysmorphism, with or without congenital heart defects. Identifiers: Orphanet 284139, MedGen CN034159, MONDO:0009511, OMIM 245600.

Submissions (2):

Labcorp Genetics (formerly Invitae), Labcorp
Classification: Uncertain significance for Larsen-like syndrome, B3GAT3 type. Last evaluated: 2025-07-10. Review status: criteria provided, single submitter. Criteria: Invitae Variant Classification Sherloc (09022015). Collection method: clinical testing. Allele origin: germline.
Comment: This sequence change replaces arginine, which is basic and polar, with glutamine, which is neutral and polar, at codon 297 of the B3GAT3 protein (p.Arg297Gln). This variant is present in population databases (rs753918455, gnomAD 0.0009%). This variant has not been reported in the literature in individuals affected with B3GAT3-related conditions. Invitae Evidence Modeling of protein sequence and biophysical properties (such as structural, functional, and spatial information, amino acid conservation, physicochemical variation, residue mobility, and thermodynamic stability) indicates that this missense variant is not expected to disrupt B3GAT3 protein function with a negative predictive value of 80%. In summary, the available evidence is currently insufficient to determine the role of this variant in disease. Therefore, it has been classified as a Variant of Uncertain Significance.

Ambry Genetics
Classification: Uncertain significance for Inborn genetic diseases. Last evaluated: 2025-05-30. Review status: criteria provided, single submitter. Criteria: Ambry Variant Classification Scheme 2023. Collection method: clinical testing. Allele origin: germline.

NM_012200.4(B3GAT3):c.890G>A (p.Arg297Gln)

Gene: B3GAT3 (beta-1,3-glucuronyltransferase 3; minus strand). Cytogenetic location: 11q12.3.
Variant type: single nucleotide variant.
Coding change: c.890G>A on transcript NM_012200.4 (MANE Select); coding-DNA position 890, G replaced by A.
Protein change: p.Arg297Gln; replaces arginine 297 with glutamine.
Molecular consequence: missense variant. On other transcripts: non-coding transcript variant (1).
Genome position (GRCh38, 1-based): chr11:62,616,525, C>T on the plus strand (G>A on the coding strand, the complement: B3GAT3 is on the minus strand). VCF-style: chr11-62616525-C-T. GRCh37 (hg19) VCF-style: chr11-62383997-C-T.
Other names: c.869G>A, p.Arg290Gln (NM_001288721.2); c.890G>A, p.Arg297Gln (NM_001288722.2, NM_001288723.2); short protein forms R290Q, R297Q.
Identifiers: ClinVar variation 3982286 (VCV003982286.2).